The following is an entry in ClinVar:

NM_003560.4(PLA2G6):c.1029G>A (p.Ala343=)

Gene: PLA2G6 (phospholipase A2 group VI; minus strand). Cytogenetic location: 22q13.1.
Variant type: single nucleotide variant.
Coding change: c.1029G>A on transcript NM_003560.4 (MANE Select); coding-DNA position 1029, G replaced by A.
Protein change: p.Ala343=; no amino-acid change (alanine 343 retained).
Molecular consequence: synonymous variant.
Genome position (GRCh38, 1-based): chr22:38,132,879, C>T on the plus strand (G>A on the coding strand, the complement: PLA2G6 is on the minus strand). VCF-style: chr22-38132879-C-T. GRCh37 (hg19) VCF-style: chr22-38528886-C-T.
Other names: c.1029G>A, p.Ala343= (NM_001004426.3, NM_001199562.3, NM_001349864.2 and 2 more transcripts); c.495G>A, p.Ala165= (NM_001349867.2, NM_001349869.2); c.351G>A, p.Ala117= (NM_001349868.2).
Identifiers: ClinVar variation 2068138 (VCV002068138.32), dbSNP rs1422824235, ClinGen allele CA514551684.
Genomic context (GRCh38, chr22:38,132,879, plus strand): 5'-TCCTGGGCTCACCGACATGGCCAGGTGCAGCGGGGTGTTGCCGTGCTCTCCGCGGGCATC[C>T]GCGTTGGCCCCGTGGGTCAGCAGCACTATGGCACAGTCGAAGCGGTTGCGCATCACCGCC-3'
Protein context (NP_003551.2, residues 333-353): AIVLLTHGAN[Ala343=]DARGEHGNTP

ClinVar aggregate classification (germline): Likely benign. Review status: criteria provided, multiple submitters, no conflicts (2 of 4 stars). 2 submissions from 2 submitters: Likely benign (2). Last evaluated 2023-07-09.

Conditions:
Infantile neuroaxonal dystrophy (NBIA2A). Also called: Infantile neuroaxonal dystrophy 1; NEURODEGENERATION WITH BRAIN IRON ACCUMULATION 2A; SEITELBERGER DISEASE. Identifiers: Orphanet 35069, MedGen C0270724, MONDO:0024457, OMIM 256600.

gnomAD v4.1: 16 of 1,553,676 alleles (0.001%); highest among the groups gnomAD compares: South Asian, 0.0071%; no homozygotes.

Submissions (2):

Labcorp Genetics (formerly Invitae), Labcorp
Classification: Likely benign for Infantile neuroaxonal dystrophy. Last evaluated: 2023-07-09. Review status: criteria provided, single submitter. Criteria: Invitae Variant Classification Sherloc (09022015). Collection method: clinical testing. Allele origin: germline.

CeGaT Center for Human Genetics Tuebingen
Classification: Likely benign. Last evaluated: 2023-03-01. Review status: criteria provided, single submitter. Criteria: CeGaT Center For Human Genetics Tuebingen Variant Classification Criteria Version 2. Collection method: clinical testing. Allele origin: germline. Affected: yes. Observed: 1 variant allele.
Comment: PLA2G6: BP4, BP7